The following is an entry in ClinVar:

ClinVar aggregate classification (germline): Uncertain significance (1 of 4 stars; one submission).

Conditions:
NOTCH2-related disorder. Also called: NOTCH2-related condition.

gnomAD v4.1: 15 of 1,614,046 alleles (0.00093%); highest among the groups gnomAD compares: Non-Finnish European, 0.0012%; no homozygotes.

Submission:

PreventionGenetics, part of Exact Sciences
Classification: Uncertain significance for NOTCH2-related condition. Last evaluated: 2025-10-30. Review status: criteria provided, single submitter. Criteria: ACMG Guidelines, 2015. Collection method: clinical testing. Allele origin: germline.
Comment: The NOTCH2 c.4357G>A variant is predicted to result in the amino acid substitution p.Gly1453Ser. To our knowledge, this variant has not been reported in the literature or in a large population database (gnomAD), indicating this variant is rare. At this time, the clinical significance of this variant is uncertain due to the absence of conclusive functional and genetic evidence.

NM_024408.4(NOTCH2):c.4357G>A (p.Gly1453Ser)

Gene: NOTCH2 (notch receptor 2; minus strand). Cytogenetic location: 1p12.
Variant type: single nucleotide variant.
Coding change: c.4357G>A on transcript NM_024408.4 (MANE Select); coding-DNA position 4357, G replaced by A.
Protein change: p.Gly1453Ser; replaces glycine 1453 with serine.
Molecular consequence: missense variant.
Genome position (GRCh38, 1-based): chr1:119,925,459, C>T on the plus strand (G>A on the coding strand, the complement: NOTCH2 is on the minus strand). VCF-style: chr1-119925459-C-T. GRCh37 (hg19) VCF-style: chr1-120468082-C-T.
Other names: short protein forms G1453S.
Identifiers: ClinVar variation 3352810 (VCV003352810.2).